The following is an entry in ClinVar:

NM_001276270.2(MBD4):c.1052C>T (p.Thr351Ile)

Gene: MBD4 (methyl-CpG binding domain 4, DNA glycosylase; minus strand). Cytogenetic location: 3q21.3.
Variant type: single nucleotide variant.
Coding change: c.1052C>T on transcript NM_001276270.2 (MANE Select); coding-DNA position 1052, C replaced by T.
Protein change: p.Thr351Ile; replaces threonine 351 with isoleucine.
Molecular consequence: missense variant. On other transcripts: intron variant (1).
Genome position (GRCh38, 1-based): chr3:129,436,592, G>A on the plus strand (C>T on the coding strand, the complement: MBD4 is on the minus strand). VCF-style: chr3-129436592-G-A. GRCh37 (hg19) VCF-style: chr3-129155435-G-A.
Other names: c.1052C>T, p.Thr351Ile (NM_001276271.2, NM_001276272.2, NM_003925.3); c.247+1216C>T (NM_001276273.2); short protein forms T351I.
Identifiers: ClinVar variation 2788337 (VCV002788337.4), dbSNP rs576876100, ClinGen allele CA2605423.

ClinVar aggregate classification (germline): Uncertain significance. Review status: criteria provided, multiple submitters, no conflicts (2 of 4 stars). 2 submissions from 2 submitters: Uncertain significance (2). Last evaluated 2025-12-30.

Conditions:
Inborn genetic diseases. Identifiers: MedGen C0950123, MeSH D030342.

Allele frequency attached by ClinVar (database versions not stated): gnomAD exomes below 0.00001; TOPMed below 0.00001; gnomAD 0.00001; ExAC 0.00002; 1000 Genomes Project 30x 0.00016; 1000 Genomes Project 0.00020.

Submissions (2):

Ambry Genetics
Classification: Uncertain significance for Inborn genetic diseases. Last evaluated: 2025-12-30. Review status: criteria provided, single submitter. Criteria: Ambry Variant Classification Scheme 2023. Collection method: clinical testing. Allele origin: germline.
Comment: The p.T351I variant (also known as c.1052C>T), located in coding exon 3 of the MBD4 gene, results from a C to T substitution at nucleotide position 1052. The threonine at codon 351 is replaced by isoleucine, an amino acid with similar properties. This amino acid position is not well conserved in available vertebrate species. In addition, the in silico prediction for this alteration is inconclusive. Based on the available evidence, the clinical significance of this variant remains unclear.

Labcorp Genetics (formerly Invitae), Labcorp
Classification: Uncertain significance. Last evaluated: 2025-12-10. Review status: criteria provided, single submitter. Criteria: Invitae Variant Classification Sherloc (09022015). Collection method: clinical testing. Allele origin: germline.
Comment: This sequence change replaces threonine, which is neutral and polar, with isoleucine, which is neutral and non-polar, at codon 351 of the MBD4 protein (p.Thr351Ile). This variant is present in population databases (rs576876100, gnomAD 0.01%). This variant has not been reported in the literature in individuals affected with MBD4-related conditions. ClinVar contains an entry for this variant (Variation ID: 2788337). An algorithm developed to predict the effect of missense changes on protein structure and function outputs the following: PolyPhen-2: "Benign". The isoleucine amino acid residue is found in multiple mammalian species, which suggests that this missense change does not adversely affect protein function. In summary, the available evidence is currently insufficient to determine the role of this variant in disease. Therefore, it has been classified as a Variant of Uncertain Significance.